The following is an entry in ClinVar:

NM_002711.4(PPP1R3A):c.2990T>G (p.Phe997Cys)

Gene: PPP1R3A (protein phosphatase 1 regulatory subunit 3A; minus strand). Cytogenetic location: 7q31.1.
Variant type: single nucleotide variant.
Coding change: c.2990T>G on transcript NM_002711.4 (MANE Select); coding-DNA position 2990, T replaced by G.
Protein change: p.Phe997Cys; replaces phenylalanine 997 with cysteine.
Molecular consequence: missense variant.
Genome position (GRCh38, 1-based): chr7:113,878,102, A>C on the plus strand (T>G on the coding strand, the complement: PPP1R3A is on the minus strand). VCF-style: chr7-113878102-A-C. GRCh37 (hg19) VCF-style: chr7-113518157-A-C.
Other names: short protein forms F997C.
Identifiers: ClinVar variation 549557 (VCV000549557.4), dbSNP rs35572169, ClinGen allele CA4444976.

ClinVar aggregate classification (germline): Likely benign. Review status: criteria provided, multiple submitters, no conflicts (2 of 4 stars). 2 submissions from 2 submitters: Likely benign (2). Last evaluated 2017-03-10.

Conditions:
Monogenic diabetes. Identifiers: Orphanet 183625, MedGen C3888631, MONDO:0015967.

Allele frequency attached by ClinVar (database versions not stated): 1000 Genomes Project 30x 0.00047; 1000 Genomes Project 0.00060; ExAC 0.00120; gnomAD exomes 0.00136 and 0.00193; ESP Exome Variant Server 0.00138; gnomAD 0.00153 and 0.00154; TOPMed 0.00155.
gnomAD v4.1: 3,046 of 1,613,378 alleles (0.19%); highest among the groups gnomAD compares: Middle Eastern, 0.43%; 2 homozygotes.

Submissions (2):

Personalized Diabetes Medicine Program, University of Maryland School of Medicine
Classification: Likely benign for Monogenic diabetes. Last evaluated: 2017-03-10. Review status: criteria provided, single submitter. Criteria: ACMG Guidelines, 2015. Collection method: research. Allele origin: unknown. Observed: 1 variant allele, 1 heterozygote. Study: Personalized Diabetes Medicine Program.
Comment: ACMG Criteria:BP4 (7 predictors), BS2 (10 cases and 9 controls in T2DM)

Breakthrough Genomics
Classification: Likely benign. Review status: criteria provided, single submitter. Criteria: ACMG Guidelines, 2015. Collection method: not provided. Allele origin: germline. Inheritance: Autosomal dominant inheritance. Affected: yes.